The following is an entry in ClinVar:

NM_000085.5(CLCNKB):c.2048C>T (p.Pro683Leu)

Genes: CLCNKB (chloride voltage-gated channel Kb; plus strand), LOC106501713 (CLCNKB recombination region; plus strand). Cytogenetic location: 1p36.13.
Variant type: single nucleotide variant.
Coding change: c.2048C>T on transcript NM_000085.5 (MANE Select); coding-DNA position 2048, C replaced by T.
Protein change: p.Pro683Leu; replaces proline 683 with leucine.
Molecular consequence: missense variant.
Genome position (GRCh38, 1-based): chr1:16,056,900, C>T. VCF-style: chr1-16056900-C-T. GRCh37 (hg19) VCF-style: chr1-16383395-C-T.
Other names: c.1538C>T, p.Pro513Leu (NM_001165945.2); short protein forms P513L, P683L.
Identifiers: ClinVar variation 2422019 (VCV002422019.6), dbSNP rs368764495, ClinGen allele CA624210.

ClinVar aggregate classification (germline): Uncertain significance (1 of 4 stars; one submission).

Allele frequency attached by ClinVar (database versions not stated): ExAC 0.00002; ESP Exome Variant Server 0.00008.

Submission:

Labcorp Genetics (formerly Invitae), Labcorp
Classification: Uncertain significance. Last evaluated: 2022-03-18. Review status: criteria provided, single submitter. Criteria: Invitae Variant Classification Sherloc (09022015). Collection method: clinical testing. Allele origin: germline.
Comment: Advanced modeling of protein sequence and biophysical properties (such as structural, functional, and spatial information, amino acid conservation, physicochemical variation, residue mobility, and thermodynamic stability) performed at Invitae indicates that this missense variant is not expected to disrupt CLCNKB protein function. In summary, the available evidence is currently insufficient to determine the role of this variant in disease. Therefore, it has been classified as a Variant of Uncertain Significance. This variant has not been reported in the literature in individuals affected with CLCNKB-related conditions. The frequency data for this variant in the population databases is considered unreliable, as metrics indicate poor data quality at this position in the gnomAD database. This sequence change replaces proline, which is neutral and non-polar, with leucine, which is neutral and non-polar, at codon 683 of the CLCNKB protein (p.Pro683Leu).